The following is an entry in ClinVar:

NM_020975.6(RET):c.3133A>G (p.Asn1045Asp)

Gene: RET (ret proto-oncogene; plus strand). Cytogenetic location: 10q11.21.
Variant type: single nucleotide variant.
Coding change: c.3133A>G on transcript NM_020975.6 (MANE Select); coding-DNA position 3133, A replaced by G.
Protein change: p.Asn1045Asp; replaces asparagine 1045 with aspartic acid.
Molecular consequence: missense variant. On other transcripts: intron variant (4).
Genome position (GRCh38, 1-based): chr10:43,126,668, A>G. VCF-style: chr10-43126668-A-G. GRCh37 (hg19) VCF-style: chr10-43622116-A-G.
Other names: c.3133A>G, p.Asn1045Asp (NM_000323.2, NM_001406743.1, NM_001406744.1 and 2 more transcripts); c.2371A>G, p.Asn791Asp (NM_001355216.2); c.3004A>G, p.Asn1002Asp (NM_001406761.1, NM_001406762.1, NM_001406764.1); c.2737A>G, p.Asn913Asp (NM_001406772.1, NM_001406769.1); c.2695A>G, p.Asn899Asp (NM_001406773.1, NM_001406771.1); c.2608A>G, p.Asn870Asp (NM_001406774.1); c.2407A>G, p.Asn803Asp (NM_001406775.1, NM_001406776.1, NM_001406778.1); c.2236A>G, p.Asn746Asp (NM_001406779.1, NM_001406780.1, NM_001406781.1 and 1 more transcripts); and 13 more; short protein forms N870D, N1000D, N650D, N715D, N746D, N791D, N899D, N1002D.
Identifiers: ClinVar variation 2715866 (VCV002715866.3), dbSNP rs1366823168, ClinGen allele CA376558461.

ClinVar aggregate classification (germline): Uncertain significance (1 of 4 stars; one submission).

Conditions:
Multiple endocrine neoplasia, type 2 (MEN2). Identifiers: Orphanet 653, MedGen C4048306, MONDO:0019003. Disease mechanism: gain of function.

Submission:

Labcorp Genetics (formerly Invitae), Labcorp
Classification: Uncertain significance for Multiple endocrine neoplasia, type 2. Last evaluated: 2023-06-15. Review status: criteria provided, single submitter. Criteria: Invitae Variant Classification Sherloc (09022015). Collection method: clinical testing. Allele origin: germline.
Comment: This sequence change replaces asparagine, which is neutral and polar, with aspartic acid, which is acidic and polar, at codon 1045 of the RET protein (p.Asn1045Asp). This variant is not present in population databases (gnomAD no frequency). This variant has not been reported in the literature in individuals affected with RET-related conditions. An algorithm developed to predict the effect of missense changes on protein structure and function (PolyPhen-2) suggests that this variant is likely to be tolerated. In summary, the available evidence is currently insufficient to determine the role of this variant in disease. Therefore, it has been classified as a Variant of Uncertain Significance.